The following is an entry in ClinVar:

NM_004316.4(ASCL1):c.144G>A (p.Gln48=)

Genes: ASCL1 (achaete-scute family bHLH transcription factor 1; plus strand), PAH (phenylalanine hydroxylase; minus strand). Cytogenetic location: 12q23.2.
Variant type: single nucleotide variant.
Coding change: c.144G>A on transcript NM_004316.4 (MANE Select); coding-DNA position 144, G replaced by A.
Protein change: p.Gln48=; no amino-acid change (glutamine 48 retained).
Molecular consequence: synonymous variant. On other transcripts: 5 prime UTR variant (1).
Genome position (GRCh38, 1-based): chr12:102,958,388, G>A. VCF-style: chr12-102958388-G-A. GRCh37 (hg19) VCF-style: chr12-103352166-G-A.
Other names: c.-289C>T (NM_001354304.2).
Identifiers: ClinVar variation 4988875 (VCV004988875.1).

ClinVar aggregate classification (germline): Likely benign (1 of 4 stars; one submission).

Conditions:
ASCL1-related disorder. Also called: ASCL1-related condition.

gnomAD v4.1: 10 of 1,492,966 alleles (0.00067%); highest among the groups gnomAD compares: Non-Finnish European, 0.00089%; no homozygotes.

Submission:

PreventionGenetics, part of Exact Sciences
Classification: Likely benign for ASCL1-related condition. Last evaluated: 2024-10-31. Review status: criteria provided, single submitter. Criteria: ACMG Guidelines, 2015. Collection method: clinical testing. Allele origin: germline.
Comment: This variant is classified as likely benign based on ACMG/AMP sequence variant interpretation guidelines (Richards et al. 2015 PMID: 25741868, with internal and published modifications).